The following is an entry in ClinVar:

ClinVar aggregate classification (germline): Conflicting classifications of pathogenicity. Review status: criteria provided, conflicting classifications (1 of 4 stars). 4 submissions from 4 submitters: Uncertain significance (1); Benign (1); Likely benign (2). Last evaluated 2026-03-01.

Conditions:
Inborn genetic diseases. Identifiers: MedGen C0950123, MeSH D030342.
Kleefstra syndrome 1 (KLEFS1). Identifiers: Orphanet 261494, MedGen C0795833, MONDO:0027407, OMIM 610253.

Allele frequency attached by ClinVar (database versions not stated): gnomAD exomes 0.00002; ExAC 0.00003; gnomAD 0.00006; TOPMed 0.00006; ESP Exome Variant Server 0.00008.

Submissions (4):

CeGaT Center for Human Genetics Tuebingen
Classification: Likely benign. Last evaluated: 2026-03-01. Review status: criteria provided, single submitter. Criteria: CeGaT Center For Human Genetics Tuebingen Variant Classification Criteria Version 2. Collection method: clinical testing. Allele origin: germline. Affected: yes. Observed: 2 variant alleles.
Comment: EHMT1: BP4, BS1

Ambry Genetics
Classification: Likely benign for Inborn genetic diseases. Last evaluated: 2024-10-19. Review status: criteria provided, single submitter. Criteria: Ambry Variant Classification Scheme 2023. Collection method: clinical testing. Allele origin: germline.

Labcorp Genetics (formerly Invitae), Labcorp
Classification: Benign for Kleefstra syndrome 1. Last evaluated: 2024-05-15. Review status: criteria provided, single submitter. Criteria: Invitae Variant Classification Sherloc (09022015). Collection method: clinical testing. Allele origin: germline.

Eurofins Ntd Llc (ga)
Classification: Uncertain significance. Last evaluated: 2015-09-16. Review status: criteria provided, single submitter. Criteria: EGL Classification Definitions 2015. Collection method: clinical testing. Allele origin: germline. Observed: 1 variant allele, 1 heterozygote.

NM_024757.5(EHMT1):c.188C>T (p.Ala63Val)

Gene: EHMT1 (euchromatic histone lysine methyltransferase 1; plus strand). Cytogenetic location: 9q34.3.
Variant type: single nucleotide variant.
Coding change: c.188C>T on transcript NM_024757.5 (MANE Select); coding-DNA position 188, C replaced by T.
Protein change: p.Ala63Val; replaces alanine 63 with valine.
Molecular consequence: missense variant.
Genome position (GRCh38, 1-based): chr9:137,716,728, C>T. VCF-style: chr9-137716728-C-T. GRCh37 (hg19) VCF-style: chr9-140611180-C-T.
Other names: c.188C>T, p.Ala63Val (NM_001145527.2, NM_001354263.2, NM_001354611.2); c.95C>T, p.Ala32Val (NM_001354259.2, NM_001354612.2); short protein forms A63V, A32V.
Identifiers: ClinVar variation 283420 (VCV000283420.39), dbSNP rs138292762, ClinGen allele CA5374205.
Genomic context (GRCh38, chr9:137,716,728, plus strand): 5'-CAGGAGAGGCCCACATGGCTGCGGACGGTGAGACCAATGGGTCTTGTGAAAACAGCGATG[C>T]CAGCAGTCATGCAAATGCTGCAAAGCACACTCAGGACAGCGCAAGGGTCAACCCCCAGGA-3'
Protein context (NP_079033.4, residues 53-73): ETNGSCENSD[Ala63Val]SSHANAAKHT